The following is an entry in ClinVar:

NM_182914.3(SYNE2):c.544del (p.Ser182fs)

Gene: SYNE2 (spectrin repeat containing nuclear envelope protein 2; plus strand). Cytogenetic location: 14q23.2.
Variant type: Deletion.
Coding change: c.544del on transcript NM_182914.3 (MANE Select); coding-DNA position 544, one base deleted (T; older notation c.544delT).
Protein change: p.Ser182fs; shifts the reading frame from serine 182.
Molecular consequence: frameshift variant.
Genome position (GRCh38, 1-based): chr14:63,949,960, T deleted. VCF-style (leftmost placement, unchanged base first): chr14-63949959-GT-G. GRCh37 (hg19) VCF-style: chr14-64416677-GT-G.
Other names: c.544del, p.Ser182fs (NM_015180.6); short protein forms S182fs.
Identifiers: ClinVar variation 1478246 (VCV001478246.6), dbSNP rs2153430619, ClinGen allele CA2573150008.

ClinVar aggregate classification (germline): Uncertain significance (1 of 4 stars; one submission).

Conditions:
Emery-Dreifuss muscular dystrophy 5, autosomal dominant (EDMD5). Also called: EMERY-DREIFUSS MUSCULAR DYSTROPHY 5. Identifiers: Orphanet 261, MedGen C2751805, MONDO:0013072, OMIM 612999.

Submission:

Labcorp Genetics (formerly Invitae), Labcorp
Classification: Uncertain significance for Emery-Dreifuss muscular dystrophy 5, autosomal dominant. Last evaluated: 2022-07-25. Review status: criteria provided, single submitter. Criteria: Invitae Variant Classification Sherloc (09022015). Collection method: clinical testing. Allele origin: germline.
Comment: ClinVar contains an entry for this variant (Variation ID: 1478246). In summary, the available evidence is currently insufficient to determine the role of this variant in disease. Therefore, it has been classified as a Variant of Uncertain Significance. This variant has not been reported in the literature in individuals affected with SYNE2-related conditions. This variant is not present in population databases (gnomAD no frequency). This sequence change creates a premature translational stop signal (p.Ser182Leufs*22) in the SYNE2 gene. It is expected to result in an absent or disrupted protein product. However, the current clinical and genetic evidence is not sufficient to establish whether loss-of-function variants in SYNE2 cause disease.